The following is an entry in ClinVar:

ClinVar aggregate classification (germline): Uncertain significance (1 of 4 stars; one submission).

Conditions:
Jeune thoracic dystrophy. Also called: Short-rib thoracic dysplasia; Jeune syndrome; Infantile thoracic dystrophy; Thoracic pelvic phalangeal dystrophy; Jeune's syndrome; Chondroectodermal dysplasia-like syndrome. Identifiers: Orphanet 474, MedGen C0265275, MONDO:0018770.
Nephronophthisis. Also called: Juvenile Nephronophthisis. Identifiers: Orphanet 655, MedGen C0687120, MONDO:0019005, HP:0000090.

gnomAD v4.1: 1 of 1,613,958 alleles (0.000062%); highest among the groups gnomAD compares: Non-Finnish European, 0.000085%; no homozygotes.

Submission:

Labcorp Genetics (formerly Invitae), Labcorp
Classification: Uncertain significance for Jeune thoracic dystrophy; Nephronophthisis. Last evaluated: 2025-09-05. Review status: criteria provided, single submitter. Criteria: Invitae Variant Classification Sherloc (09022015). Collection method: clinical testing. Allele origin: germline.
Comment: This sequence change replaces glutamic acid, which is acidic and polar, with glycine, which is neutral and non-polar, at codon 809 of the TTC21B protein (p.Glu809Gly). This variant is not present in population databases (gnomAD no frequency). This variant has not been reported in the literature in individuals affected with TTC21B-related conditions. Invitae Evidence Modeling of protein sequence and biophysical properties (such as structural, functional, and spatial information, amino acid conservation, physicochemical variation, residue mobility, and thermodynamic stability) indicates that this missense variant is not expected to disrupt TTC21B protein function with a negative predictive value of 80%. In summary, the available evidence is currently insufficient to determine the role of this variant in disease. Therefore, it has been classified as a Variant of Uncertain Significance.

NM_024753.5(TTC21B):c.2426A>G (p.Glu809Gly)

Gene: TTC21B (tetratricopeptide repeat domain 21B; minus strand). Cytogenetic location: 2q24.3.
Variant type: single nucleotide variant.
Coding change: c.2426A>G on transcript NM_024753.5 (MANE Select); coding-DNA position 2426, A replaced by G.
Protein change: p.Glu809Gly; replaces glutamic acid 809 with glycine.
Molecular consequence: missense variant.
Genome position (GRCh38, 1-based): chr2:165,911,362, T>C on the plus strand (A>G on the coding strand, the complement: TTC21B is on the minus strand). VCF-style: chr2-165911362-T-C. GRCh37 (hg19) VCF-style: chr2-166767872-T-C.
Other names: short protein forms E809G.
Identifiers: ClinVar variation 4788106 (VCV004788106.1).